The following is an entry in ClinVar:

ClinVar aggregate classification (germline): Pathogenic/Likely pathogenic. Review status: criteria provided, multiple submitters, no conflicts (2 of 4 stars). 2 submissions from 2 submitters: Pathogenic (1); Likely pathogenic (1). Last evaluated 2024-05-08.

Conditions:
Cerebral creatine deficiency syndrome. Also called: Creatine deficiency syndromes. Identifiers: Orphanet 79172, MedGen C5244016, MONDO:0000456.

gnomAD v4.1: 1 of 1,448,730 alleles (0.000069%); highest among the groups gnomAD compares: Non-Finnish European, 0.000091%; no homozygotes.

Submissions (2):

GeneDx
Classification: Likely pathogenic. Last evaluated: 2024-05-08. Review status: criteria provided, single submitter. Criteria: GeneDx Variant Classification Process June 2021. Collection method: clinical testing. Allele origin: germline. Affected: yes.
Comment: Nonsense variant predicted to result in protein truncation or nonsense mediated decay in a gene for which loss of function is a known mechanism of disease; Not observed at significant frequency in large population cohorts (gnomAD); Has not been previously published as pathogenic or benign to our knowledge

Labcorp Genetics (formerly Invitae), Labcorp
Classification: Pathogenic for Cerebral creatine deficiency syndrome. Last evaluated: 2021-12-25. Review status: criteria provided, single submitter. Criteria: Invitae Variant Classification Sherloc (09022015). Collection method: clinical testing. Allele origin: germline.
Comment: For these reasons, this variant has been classified as Pathogenic. This variant has not been reported in the literature in individuals affected with GAMT-related conditions. This variant is not present in population databases (gnomAD no frequency). This sequence change creates a premature translational stop signal (p.Trp20*) in the GAMT gene. It is expected to result in an absent or disrupted protein product. Loss-of-function variants in GAMT are known to be pathogenic (PMID: 15108290).

Literature cited by the submitters: PubMed 15108290 (cited by Labcorp Genetics (formerly Invitae), Labcorp).

NM_000156.6(GAMT):c.60G>A (p.Trp20Ter)

Genes: GAMT (guanidinoacetate N-methyltransferase; minus strand), LOC130062945 (ATAC-STARR-seq lymphoblastoid silent region 9707; plus strand). Cytogenetic location: 19p13.3.
Variant type: single nucleotide variant.
Coding change: c.60G>A on transcript NM_000156.6 (MANE Select); coding-DNA position 60, G replaced by A.
Protein change: p.Trp20Ter; replaces tryptophan 20 with a stop codon.
Molecular consequence: nonsense.
Genome position (GRCh38, 1-based): chr19:1,401,417, C>T on the plus strand (G>A on the coding strand, the complement: GAMT is on the minus strand). VCF-style: chr19-1401417-C-T. GRCh37 (hg19) VCF-style: chr19-1401416-C-T.
Other names: c.60G>A (NM_000156.4); c.60G>A, p.Trp20Ter (NM_138924.3); short protein forms W20*.
Identifiers: ClinVar variation 2060742 (VCV002060742.5), dbSNP rs1378059855, ClinGen allele CA402998322.